The following is an entry in ClinVar:

ClinVar aggregate classification (germline): Pathogenic/Likely pathogenic. Review status: criteria provided, multiple submitters, no conflicts (2 of 4 stars). 2 submissions from 2 submitters: Pathogenic (1); Likely pathogenic (1). Last evaluated 2021-04-01.

Conditions:
Peroxisome biogenesis disorder 4A (Zellweger) (PBD4A). Also called: Zellweger syndrome spectrum (PEX6-related). Identifiers: Orphanet 912, MedGen C3553936, MONDO:0013930, OMIM 614862. Disease mechanism: loss of function.
Peroxisome biogenesis disorder. Identifiers: Orphanet 79189, MedGen C1832200, MONDO:0019234. Disease mechanism: loss of function.

Submissions (2):

Labcorp Genetics (formerly Invitae), Labcorp
Classification: Pathogenic for Peroxisome biogenesis disorder. Last evaluated: 2021-04-01. Review status: criteria provided, single submitter. Criteria: Invitae Variant Classification Sherloc (09022015). Collection method: clinical testing. Allele origin: germline.
Comment: This sequence change creates a premature translational stop signal (p.Gln908*) in the PEX6 gene. It is expected to result in an absent or disrupted protein product. Loss-of-function variants in PEX6 are known to be pathogenic (PMID: 8670792, 19877282, 21031596). For these reasons, this variant has been classified as Pathogenic. This variant has not been reported in the literature in individuals with PEX6-related conditions. This variant is not present in population databases (ExAC no frequency).

Molecular Genetics Department, Kulakov National Medical Research Center for Obstetrics, Gynecology and Perinatology
Classification: Likely pathogenic for Peroxisome biogenesis disorder 4A (Zellweger). Review status: criteria provided, single submitter. Criteria: ACMG Guidelines, 2015. Collection method: clinical testing. Allele origin: germline. Affected: yes. Observed: 1 variant allele.
Comment: A previously undescribed heterozygous nucleotide variant creates a premature translation stop signal p.Gln908Ter in the PEX6 gene. Homozygous and compound heterozygous variants are reported in patients with Peroxisome biogenesis disorder 4A (Zellweger), 614862. The variant is not present in population database (gnomAD no frequency). The variant was found in trans position with the PEX6 variant (NM_000287.4:c.2131C>T). In summary, the currently available evidence indicates that the variant is pathogenic, but additional data are needed to prove that conclusively. Therefore, this variant has been classified as likely pathogenic.

Literature cited by the submitters: PubMed 8670792 (cited by Labcorp Genetics (formerly Invitae), Labcorp); PubMed 19877282 (cited by Labcorp Genetics (formerly Invitae), Labcorp); PubMed 21031596 (cited by Labcorp Genetics (formerly Invitae), Labcorp).

NM_000287.4(PEX6):c.2722C>T (p.Gln908Ter)

Gene: PEX6 (peroxisomal biogenesis factor 6; minus strand). Cytogenetic location: 6p21.1.
Variant type: single nucleotide variant.
Coding change: c.2722C>T on transcript NM_000287.4 (MANE Select); coding-DNA position 2722, C replaced by T.
Protein change: p.Gln908Ter; replaces glutamine 908 with a stop codon.
Molecular consequence: nonsense. On other transcripts: non-coding transcript variant (1).
Genome position (GRCh38, 1-based): chr6:42,964,874, G>A on the plus strand (C>T on the coding strand, the complement: PEX6 is on the minus strand). VCF-style: chr6-42964874-G-A. GRCh37 (hg19) VCF-style: chr6-42932612-G-A.
Other names: c.2458C>T, p.Gln820Ter (NM_001316313.2); short protein forms Q908*, Q820*.
Identifiers: ClinVar variation 1386889 (VCV001386889.7), dbSNP rs2114236416, ClinGen allele CA364150362.
Genomic context (GRCh38, chr6:42,964,874, plus strand): 5'-GTTTGAGGGCAGCTGTCATAGCATCAGAGCAGAGAGAGTAGAGGTCCGCGCCCGTCAGCT[G>A]GGGAGGGCAGCAATCTAGCACGTTTACCAGGCTCACAGATGGCTCTAGCTTGAATCTGTT-3'